The following is an entry in ClinVar:

ClinVar aggregate classification (germline): Uncertain significance (1 of 4 stars; one submission).

gnomAD v4.1: 13 of 1,613,768 alleles (0.00081%); highest among the groups gnomAD compares: Non-Finnish European, 0.0011%; no homozygotes.

Submission:

GeneDx
Classification: Uncertain significance. Last evaluated: 2025-06-11. Review status: criteria provided, single submitter. Criteria: GeneDx Variant Classification Process June 2021. Collection method: clinical testing. Allele origin: germline. Affected: yes.
Comment: Not observed at significant frequency in large population cohorts (gnomAD); In silico analysis suggests that this missense variant does not alter protein structure/function; Has not been previously published as pathogenic or benign to our knowledge

NM_139027.6(ADAMTS13):c.134C>A (p.Ala45Asp)

Gene: ADAMTS13 (ADAM metallopeptidase with thrombospondin type 1 motif 13; plus strand). Cytogenetic location: 9q34.2.
Variant type: single nucleotide variant.
Coding change: c.134C>A on transcript NM_139027.6 (MANE Select); coding-DNA position 134, C replaced by A.
Protein change: p.Ala45Asp; replaces alanine 45 with aspartic acid.
Molecular consequence: missense variant. On other transcripts: non-coding transcript variant (1).
Genome position (GRCh38, 1-based): chr9:133,423,129, C>A. VCF-style: chr9-133423129-C-A. GRCh37 (hg19) VCF-style: chr9-136288249-C-A.
Other names: c.134C>A, p.Ala45Asp (NM_139025.5, NM_139026.6); short protein forms A45D.
Identifiers: ClinVar variation 4538169 (VCV004538169.1).